The following is an entry in ClinVar:

ClinVar aggregate classification (germline): Uncertain significance (1 of 4 stars; one submission).

Conditions:
Inborn genetic diseases. Identifiers: MedGen C0950123, MeSH D030342.

Submission:

Ambry Genetics
Classification: Uncertain significance for Inborn genetic diseases. Last evaluated: 2022-04-23. Review status: criteria provided, single submitter. Criteria: Ambry Variant Classification Scheme 2023. Collection method: clinical testing. Allele origin: germline.
Comment: The p.M2132K variant (also known as c.6395T>A), located in coding exon 34 of the SPG11 gene, results from a T to A substitution at nucleotide position 6395. The methionine at codon 2132 is replaced by lysine, an amino acid with similar properties. This amino acid position is conserved. In addition, this alteration is predicted to be deleterious by in silico analysis. Since supporting evidence is limited at this time, the clinical significance of this alteration remains unclear.

NM_025137.4(SPG11):c.6395T>A (p.Met2132Lys)

Gene: SPG11 (SPG11 vesicle trafficking associated, spatacsin; minus strand). Cytogenetic location: 15q21.1.
Variant type: single nucleotide variant.
Coding change: c.6395T>A on transcript NM_025137.4 (MANE Select); coding-DNA position 6395, T replaced by A.
Protein change: p.Met2132Lys; replaces methionine 2132 with lysine.
Molecular consequence: missense variant.
Genome position (GRCh38, 1-based): chr15:44,570,607, A>T on the plus strand (T>A on the coding strand, the complement: SPG11 is on the minus strand). VCF-style: chr15-44570607-A-T. GRCh37 (hg19) VCF-style: chr15-44862805-A-T.
Other names: c.6056T>A, p.Met2019Lys (NM_001160227.2); c.6251T>A, p.Met2084Lys (NM_001411132.1); short protein forms M2132K, M2019K, M2084K.
Identifiers: ClinVar variation 1753253 (VCV001753253.2), dbSNP rs771913148, ClinGen allele CA392216400.